The following is an entry in ClinVar:

NM_004991.4(MECOM):c.1673A>G (p.Glu558Gly)

Gene: MECOM (MDS1 and EVI1 complex locus; minus strand). Cytogenetic location: 3q26.2.
Variant type: single nucleotide variant.
Coding change: c.1673A>G on transcript NM_004991.4 (MANE Select); coding-DNA position 1673, A replaced by G.
Protein change: p.Glu558Gly; replaces glutamic acid 558 with glycine.
Molecular consequence: missense variant. On other transcripts: intron variant (2).
Genome position (GRCh38, 1-based): chr3:169,116,199, T>C on the plus strand (A>G on the coding strand, the complement: MECOM is on the minus strand). VCF-style: chr3-169116199-T-C. GRCh37 (hg19) VCF-style: chr3-168833987-T-C.
Other names: c.1304A>G, p.Glu435Gly (NM_001105077.4); c.1109A>G, p.Glu370Gly (NM_001105078.4, NM_001164000.2, NM_001205194.2 and 4 more transcripts); c.1112A>G, p.Glu371Gly (NM_001163999.2, NM_001366467.2, NM_001366468.2 and 1 more transcripts); c.1673A>G, p.Glu558Gly (NM_001366466.2); c.1133-432A>G (NM_001366473.2); c.569-432A>G (NM_001366474.2); short protein forms E435G, E371G, E370G, E558G.
Identifiers: ClinVar variation 5024186 (VCV005024186.1).

ClinVar aggregate classification (germline): Uncertain significance (1 of 4 stars; one submission).

Conditions:
Inborn genetic diseases. Identifiers: MedGen C0950123, MeSH D030342.

Submission:

Ambry Genetics
Classification: Uncertain significance for Inborn genetic diseases. Last evaluated: 2026-08-16. Review status: criteria provided, single submitter. Criteria: Ambry Variant Classification Scheme 2023. Collection method: clinical testing. Allele origin: germline.
Comment: The p.E558G variant (also known as c.1673A>G), located in coding exon 8 of the MECOM gene, results from an A to G substitution at nucleotide position 1673. The glutamic acid at codon 558 is replaced by glycine, an amino acid with similar properties. This amino acid position is conserved. In addition, this alteration is predicted to be tolerated by in silico analysis. Based on the available evidence, the clinical significance of this variant remains unclear.